The following is an entry in ClinVar:

ClinVar aggregate classification (germline): Uncertain significance. Review status: criteria provided, multiple submitters, no conflicts (2 of 4 stars). 2 submissions from 2 submitters: Uncertain significance (2). Last evaluated 2025-06-26.

Conditions:
Inborn genetic diseases. Identifiers: MedGen C0950123, MeSH D030342.

Allele frequency attached by ClinVar (database versions not stated): gnomAD exomes 0.00002; gnomAD 0.00003.
gnomAD v4.1: 35 of 1,517,820 alleles (0.0023%); highest among the groups gnomAD compares: South Asian, 0.0024%; no homozygotes.

Submissions (2):

Women's Health and Genetics/Laboratory Corporation of America, LabCorp
Classification: Uncertain significance. Last evaluated: 2025-06-26. Review status: criteria provided, single submitter. Criteria: LabCorp Variant Classification Summary - May 2015. Collection method: clinical testing. Allele origin: germline.
Comment: Variant summary: SPTBN4 c.4760C>G (p.Pro1587Arg) results in a non-conservative amino acid change in the encoded protein sequence. Algorithms developed to predict the effect of missense changes on protein structure and function are either unavailable or do not agree on the potential impact of this missense change. The variant allele was found at a frequency of 2.6e-05 in 116086 control chromosomes. The available data on variant occurrences in the general population are insufficient to allow any conclusion about variant significance. To our knowledge, no occurrence of c.4760C>G in individuals affected with Neurodevelopmental Disorder With Hypotonia, Neuropathy, And Deafness and no experimental evidence demonstrating its impact on protein function have been reported. ClinVar contains an entry for this variant (Variation ID: 2463000). Based on the evidence outlined above, the variant was classified as uncertain significance.

Ambry Genetics
Classification: Uncertain significance for Inborn genetic diseases. Last evaluated: 2023-01-31. Review status: criteria provided, single submitter. Criteria: Ambry Variant Classification Scheme 2023. Collection method: clinical testing. Allele origin: germline.

NM_020971.3(SPTBN4):c.4760C>G (p.Pro1587Arg)

Gene: SPTBN4 (spectrin beta, non-erythrocytic 4; plus strand). Cytogenetic location: 19q13.2.
Variant type: single nucleotide variant.
Coding change: c.4760C>G on transcript NM_020971.3 (MANE Select); coding-DNA position 4760, C replaced by G.
Protein change: p.Pro1587Arg; replaces proline 1587 with arginine.
Molecular consequence: missense variant.
Genome position (GRCh38, 1-based): chr19:40,554,232, C>G. VCF-style: chr19-40554232-C-G. GRCh37 (hg19) VCF-style: chr19-41060138-C-G.
Other names: c.788C>G, p.Pro263Arg (NM_025213.3); short protein forms P1587R, P263R.
Identifiers: ClinVar variation 2463000 (VCV002463000.3), dbSNP rs756017970, ClinGen allele CA9446309.